The following is an entry in ClinVar:

ClinVar aggregate classification (germline): Likely benign. Review status: criteria provided, multiple submitters, no conflicts (2 of 4 stars). 2 submissions from 2 submitters: Likely benign (2). Last evaluated 2026-01-02.

Conditions:
T-B+ severe combined immunodeficiency due to JAK3 deficiency. Also called: SCID, T CELL-NEGATIVE, B CELL-POSITIVE, NK CELL-NEGATIVE; SCID, autosomal recessive, T-negative/B-positive type. Identifiers: Orphanet 35078, MedGen C1833275, MONDO:0010938, OMIM 600802.

gnomAD v4.1: 62 of 1,585,486 alleles (0.0039%); highest among the groups gnomAD compares: South Asian, 0.018%; 1 homozygote.

Submissions (2):

Labcorp Genetics (formerly Invitae), Labcorp
Classification: Likely benign for T-B+ severe combined immunodeficiency due to JAK3 deficiency. Last evaluated: 2026-01-02. Review status: criteria provided, single submitter. Criteria: Invitae Variant Classification Sherloc (09022015). Collection method: clinical testing. Allele origin: germline.

CeGaT Center for Human Genetics Tuebingen
Classification: Likely benign. Last evaluated: 2022-10-01. Review status: criteria provided, single submitter. Criteria: CeGaT Center For Human Genetics Tuebingen Variant Classification Criteria Version 2. Collection method: clinical testing. Allele origin: germline. Affected: yes. Observed: 1 variant allele.
Comment: JAK3: BP4, BP7

NM_000215.4(JAK3):c.744C>G (p.Ala248=)

Gene: JAK3 (Janus kinase 3; minus strand). Cytogenetic location: 19p13.11.
Variant type: single nucleotide variant.
Coding change: c.744C>G on transcript NM_000215.4 (MANE Select); coding-DNA position 744, C replaced by G.
Protein change: p.Ala248=; no amino-acid change (alanine 248 retained).
Molecular consequence: synonymous variant.
Genome position (GRCh38, 1-based): chr19:17,842,433, G>C on the plus strand (C>G on the coding strand, the complement: JAK3 is on the minus strand). VCF-style: chr19-17842433-G-C. GRCh37 (hg19) VCF-style: chr19-17953242-G-C.
Identifiers: ClinVar variation 2171181 (VCV002171181.28), dbSNP rs768699076, ClinGen allele CA9302096.